The following is an entry in ClinVar:

ClinVar aggregate classification (germline): Pathogenic. Review status: reviewed by expert panel (3 of 4 stars). 2 submissions from 2 submitters: Pathogenic (1). 1 of the submissions does not count toward it. Last evaluated 2016-10-18.

Conditions:
Breast-ovarian cancer, familial, susceptibility to, 2 (BROVCA2). Also called: BRCA2 Hereditary Breast and Ovarian Cancer. Identifiers: Orphanet 145, MedGen C2675520, MONDO:0012933, OMIM 612555. Disease mechanism: loss of function.

Submissions (2):

Evidence-based Network for the Interpretation of Germline Mutant Alleles (ENIGMA)
Classification: Pathogenic for Breast-ovarian cancer, familial, susceptibility to, 2. Last evaluated: 2016-10-18. Review status: reviewed by expert panel. Criteria: ENIGMA BRCA1/2 Classification Criteria (2015). Collection method: curation. Allele origin: germline.
Comment: Variant allele predicted to encode a truncated non-functional protein.

Consortium of Investigators of Modifiers of BRCA1/2 (CIMBA), c/o University of Cambridge
Classification: Pathogenic for Breast-ovarian cancer, familial, susceptibility to, 2. Last evaluated: 2015-10-02. Review status: criteria provided, single submitter. Criteria: CIMBA Mutation Classification guidelines May 2016. Collection method: clinical testing. Allele origin: germline. Not counted in ClinVar's aggregate classification.

NC_000013.11:g.32354877_32354897delinsTG

Gene: BRCA2 (BRCA2 DNA repair associated; plus strand). Cytogenetic location: 13q13.1.
Variant type: Indel.
Genome position: GRCh38 VCF-style: chr13-32354877-CAAGAGATACAGAATCCAAAT-TG. GRCh37 (hg19) VCF-style: chr13-32929014-CAAGAGATACAGAATCCAAAT-TG.
Other names: del20 exon14insTG; c.7024_7044delinsTG, p.Gln2342fs (LRG_293t1).
Identifiers: ClinVar variation 266982 (VCV000266982.5), dbSNP rs886040684, ClinGen allele CA10589409.